The following is an entry in ClinVar:

NM_000785.4(CYP27B1):c.628C>A (p.Leu210Met)

Gene: CYP27B1 (cytochrome P450 family 27 subfamily B member 1; minus strand). Cytogenetic location: 12q14.1.
Variant type: single nucleotide variant.
Coding change: c.628C>A on transcript NM_000785.4 (MANE Select); coding-DNA position 628, C replaced by A.
Protein change: p.Leu210Met; replaces leucine 210 with methionine.
Molecular consequence: missense variant.
Genome position (GRCh38, 1-based): chr12:57,765,173, G>T on the plus strand (C>A on the coding strand, the complement: CYP27B1 is on the minus strand). VCF-style: chr12-57765173-G-T. GRCh37 (hg19) VCF-style: chr12-58158956-G-T.
Other names: short protein forms L210M.
Identifiers: ClinVar variation 1713866 (VCV001713866.5), dbSNP rs1054858813, ClinGen allele CA385505508.

ClinVar aggregate classification (germline): Uncertain significance (1 of 4 stars; one submission).

Submission:

Labcorp Genetics (formerly Invitae), Labcorp
Classification: Uncertain significance. Last evaluated: 2022-11-07. Review status: criteria provided, single submitter. Criteria: Invitae Variant Classification Sherloc (09022015). Collection method: clinical testing. Allele origin: germline.
Comment: In summary, the available evidence is currently insufficient to determine the role of this variant in disease. Therefore, it has been classified as a Variant of Uncertain Significance. This sequence change replaces leucine, which is neutral and non-polar, with methionine, which is neutral and non-polar, at codon 210 of the CYP27B1 protein (p.Leu210Met). This variant is not present in population databases (gnomAD no frequency). This variant has not been reported in the literature in individuals affected with CYP27B1-related conditions. Advanced modeling of protein sequence and biophysical properties (such as structural, functional, and spatial information, amino acid conservation, physicochemical variation, residue mobility, and thermodynamic stability) performed at Invitae indicates that this missense variant is expected to disrupt CYP27B1 protein function.